The following is an entry in ClinVar:

ClinVar aggregate classification (germline): Likely benign (1 of 4 stars; one submission).

Submission:

CeGaT Center for Human Genetics Tuebingen
Classification: Likely benign. Last evaluated: 2026-07-01. Review status: criteria provided, single submitter. Criteria: CeGaT Center For Human Genetics Tuebingen Variant Classification Criteria Version 2. Collection method: clinical testing. Allele origin: germline. Affected: yes. Observed: 1 variant allele.
Comment: NFIB: BP4

NM_001190737.2(NFIB):c.562+967dup

Gene: NFIB (nuclear factor I B; minus strand). Cytogenetic location: 9p22.3.
Variant type: Duplication.
Coding change: c.562+967dup on transcript NM_001190737.2 (MANE Select); 967 bases into the intron after coding-DNA position 562, one base duplicated (G; older notation c.562+967dupG).
Molecular consequence: intron variant.
Genome position (GRCh38, 1-based): chr9:14,306,022, C duplicated on the plus strand (G on the coding strand, the reverse complement: NFIB is on the minus strand). VCF-style (leftmost placement, unchanged base first): chr9-14306021-A-AC. GRCh37 (hg19) VCF-style: chr9-14306020-A-AC.
Other names: c.562+967dup (NM_005596.3, NM_001369477.1, NM_001369471.1 and 3 more transcripts); c.628+967dup (NM_001369468.1, NM_001369462.1, NM_001369459.1 and 1 more transcripts); c.640+967dup (NM_001190738.2); c.325+1192dup (NM_001369478.1, NM_001369470.1); c.550+967dup (NM_001369473.1, NM_001369472.1, NM_001369466.1 and 2 more transcripts); c.418+967dup (NM_001369469.1); c.337+1192dup (NM_001369475.1); c.535+967dup (NM_001369476.1, NM_001369467.1, NM_001369465.1); and 2 more.
Identifiers: ClinVar variation 5040483 (VCV005040483.1).